The following is an entry in ClinVar:

ClinVar aggregate classification (germline): Likely benign. Review status: criteria provided, multiple submitters, no conflicts (2 of 4 stars). 2 submissions from 2 submitters: Likely benign (2). Last evaluated 2026-08-01.

Conditions:
Emery-Dreifuss muscular dystrophy 5, autosomal dominant (EDMD5). Also called: EMERY-DREIFUSS MUSCULAR DYSTROPHY 5. Identifiers: Orphanet 261, MedGen C2751805, MONDO:0013072, OMIM 612999.

Allele frequency attached by ClinVar (database versions not stated): ExAC 0.00001; gnomAD 0.00001; gnomAD exomes 0.00001.
gnomAD v4.1: 23 of 1,613,924 alleles (0.0014%); highest among the groups gnomAD compares: East Asian, 0.0022%; no homozygotes.

Submissions (2):

CeGaT Center for Human Genetics Tuebingen
Classification: Likely benign. Last evaluated: 2026-08-01. Review status: criteria provided, single submitter. Criteria: CeGaT Center For Human Genetics Tuebingen Variant Classification Criteria Version 2. Collection method: clinical testing. Allele origin: germline. Affected: yes. Observed: 1 variant allele.
Comment: SYNE2: BP4, BP7

Labcorp Genetics (formerly Invitae), Labcorp
Classification: Likely benign for Emery-Dreifuss muscular dystrophy 5, autosomal dominant. Last evaluated: 2022-02-24. Review status: criteria provided, single submitter. Criteria: Invitae Variant Classification Sherloc (09022015). Collection method: clinical testing. Allele origin: germline.

NM_182914.3(SYNE2):c.20139C>T (p.Thr6713=)

Gene: SYNE2 (spectrin repeat containing nuclear envelope protein 2; plus strand). Cytogenetic location: 14q23.2.
Variant type: single nucleotide variant.
Coding change: c.20139C>T on transcript NM_182914.3 (MANE Select); coding-DNA position 20139, C replaced by T.
Protein change: p.Thr6713=; no amino-acid change (threonine 6713 retained).
Molecular consequence: synonymous variant.
Genome position (GRCh38, 1-based): chr14:64,221,653, C>T. VCF-style: chr14-64221653-C-T. GRCh37 (hg19) VCF-style: chr14-64688371-C-T.
Other names: c.20070C>T, p.Thr6690= (NM_015180.6); c.705C>T, p.Thr235= (NM_182910.2); c.1083C>T, p.Thr361= (NM_182913.4).
Identifiers: ClinVar variation 1588107 (VCV001588107.9), dbSNP rs765716455, ClinGen allele CA7224730.